The following is an entry in ClinVar:

ClinVar aggregate classification (germline): Pathogenic (1 of 4 stars; one submission).

Conditions:
Ataxia-telangiectasia syndrome (AT). Also called: Cerebello-oculocutaneous telangiectasia; Immunodeficiency with ataxia telangiectasia; AT, COMPLEMENTATION GROUP C; Ataxia-telangiectasia, complementation group E; LOUIS-BAR SYNDROME; ATAXIA-TELANGIECTASIA, COMPLEMENTATION GROUP A. Identifiers: Orphanet 100, MedGen C0004135, MONDO:0008840, OMIM 208900.

Submission:

Labcorp Genetics (formerly Invitae), Labcorp
Classification: Pathogenic for Ataxia-telangiectasia syndrome. Last evaluated: 2021-10-09. Review status: criteria provided, single submitter. Criteria: Invitae Variant Classification Sherloc (09022015). Collection method: clinical testing. Allele origin: germline.
Comment: For these reasons, this variant has been classified as Pathogenic. Algorithms developed to predict the effect of sequence changes on RNA splicing suggest that this variant may create or strengthen a splice site. This variant has not been reported in the literature in individuals affected with ATM-related conditions. This variant is not present in population databases (ExAC no frequency). This sequence change creates a premature translational stop signal (p.Thr1507Leufs*4) in the ATM gene. It is expected to result in an absent or disrupted protein product. Loss-of-function variants in ATM are known to be pathogenic (PMID: 23807571, 25614872).

Literature cited by the submitters: PubMed 23807571; PubMed 25614872.

NM_000051.4(ATM):c.4517_4518insCTTACTTACTTAAGGATGCT (p.Val1506_Thr1507insLeuLeuThrTer)

Gene: ATM (ATM serine/threonine kinase; plus strand). Cytogenetic location: 11q22.3.
Variant type: Insertion.
Coding change: c.4517_4518insCTTACTTACTTAAGGATGCT on transcript NM_000051.4 (MANE Select); coding-DNA positions 4517 to 4518, CTTACTTACTTAAGGATGCT inserted.
Protein change: p.Val1506_Thr1507insLeuLeuThrTer.
Molecular consequence: nonsense, inframe insertion.
Genome position: GRCh38 VCF-style: chr11-108292698-G-GTCTTACTTACTTAAGGATGC. GRCh37 (hg19) VCF-style: chr11-108163425-G-GTCTTACTTACTTAAGGATGC.
Other names: c.4517_4518insCTTACTTACTTAAGGATGCT, p.Val1506_Thr1507insLeuLeuThrTer (NM_001351834.2).
Identifiers: ClinVar variation 1367303 (VCV001367303.6), dbSNP rs2135799845, ClinGen allele CA2573146652.
Genomic context (GRCh38, chr11:108,292,698, plus strand): 5'-GTGTCATTACGTAGCTTCTCCCTTTGTTGTGACTTATTAAGTCAGGTTTGCCAGACAGCC[G>GTCTTACTTACTTAAGGATGC]TGACTTACTGTAAGGATGCTCTAGAAAACCATCTTCATGTTATTGTTGGTACACTTATAC-3'